The following is an entry in ClinVar:

NM_001042492.3(NF1):c.2205dup (p.Asn736Ter)

Gene: NF1 (neurofibromin 1; plus strand). Cytogenetic location: 17q11.2.
Variant type: Duplication.
Coding change: c.2205dup on transcript NM_001042492.3 (MANE Select); coding-DNA position 2205, one base duplicated (T; older notation c.2205dupT).
Protein change: p.Asn736Ter; replaces asparagine 736 with a stop codon.
Molecular consequence: nonsense. On other transcripts: frameshift variant (1).
Genome position (GRCh38, 1-based): chr17:31,226,638, T duplicated. VCF-style (leftmost placement, unchanged base first): chr17-31226637-A-AT. GRCh37 (hg19) VCF-style: chr17-29553655-A-AT.
Other names: c.2205dup, p.Asn736Terfs (NM_000267.4); short protein forms N736*.
Identifiers: ClinVar variation 3646084 (VCV003646084.2).

ClinVar aggregate classification (germline): Pathogenic (1 of 4 stars; one submission).

Conditions:
Neurofibromatosis, type 1 (NF1). Also called: Peripheral type neurofibromatosis; VON RECKLINGHAUSEN DISEASE; Neurofibromatosis, type I; NEUROFIBROMATOSIS, TYPE I, SOMATIC. Identifiers: Orphanet 636, MedGen C0027831, MONDO:0018975, OMIM 162200. Disease mechanism: loss of function.

Submission:

Labcorp Genetics (formerly Invitae), Labcorp
Classification: Pathogenic for Neurofibromatosis, type 1. Last evaluated: 2024-03-15. Review status: criteria provided, single submitter. Criteria: Invitae Variant Classification Sherloc (09022015). Collection method: clinical testing. Allele origin: germline.
Comment: This sequence change creates a premature translational stop signal (p.Asn736*) in the NF1 gene. It is expected to result in an absent or disrupted protein product. Loss-of-function variants in NF1 are known to be pathogenic (PMID: 10712197, 23913538). This variant is not present in population databases (gnomAD no frequency). This variant has not been reported in the literature in individuals affected with NF1-related conditions. For these reasons, this variant has been classified as Pathogenic.

Literature cited by the submitters: PubMed 10712197; PubMed 23913538.